The following is an entry in ClinVar:

ClinVar aggregate classification (germline): Pathogenic. Review status: criteria provided, multiple submitters, no conflicts (2 of 4 stars). 5 submissions from 5 submitters: Pathogenic (4). 1 of the submissions does not count toward it. Last evaluated 2025-06-18.

Conditions:
Congenital lipoid adrenal hyperplasia due to STAR deficency. Also called: Lipoid adrenal hyperplasia; ADRENAL HYPERPLASIA I; Congenital Lipoid Adrenal Hyperplasia; Cholesterol monooxygenase (side-chain cleaving) deficiency. Identifiers: Orphanet 418, Orphanet 90790, MedGen C0342474, MONDO:0008725, OMIM 201710.

Allele frequency attached by ClinVar (database versions not stated): gnomAD exomes below 0.00001 and 0.00001; ExAC 0.00001; TOPMed 0.00001.
gnomAD v4.1: 1 of 1,614,114 alleles (0.000062%); highest among the groups gnomAD compares: East Asian, 0.0022%; no homozygotes.

Submissions (5):

Natera, Inc.
Classification: Pathogenic for Congenital lipoid adrenal hyperplasia. Last evaluated: 2025-06-18. Review status: criteria provided, single submitter. Criteria: Natera Variant Classification Schema (03/2026). Collection method: clinical testing. Allele origin: germline.
Comment: The c.229C>T variant in STAR is a nonsense variant predicted to introduce a stop codon at amino acid 77. This variant is expected to result in nonsense mediated decay, truncation, or a dysfunctional protein product. This variant is rare in the general population with a frequency below the threshold expected for the associated phenotype(s). This variant has been observed in one or more individuals affected with the associated recessive disease, as either homozygous or compound heterozygous with a second variant (PMID: 33227378). Given the available evidence, this variant is classified as Pathogenic.

Labcorp Genetics (formerly Invitae), Labcorp
Classification: Pathogenic. Last evaluated: 2024-02-16. Review status: criteria provided, single submitter. Criteria: Invitae Variant Classification Sherloc (09022015). Collection method: clinical testing. Allele origin: germline.
Comment: This sequence change creates a premature translational stop signal (p.Gln77*) in the STAR gene. It is expected to result in an absent or disrupted protein product. Loss-of-function variants in STAR are known to be pathogenic (PMID: 8948562). This variant is present in population databases (rs781281145, gnomAD 0.01%). This premature translational stop signal has been observed in individual(s) with congenital lipoid adrenal hyperplasia (PMID: 15347444, 30400872). ClinVar contains an entry for this variant (Variation ID: 553713). For these reasons, this variant has been classified as Pathogenic.

Fulgent Genetics
Classification: Pathogenic for Congenital lipoid adrenal hyperplasia due to STAR deficency. Last evaluated: 2022-04-19. Review status: criteria provided, single submitter. Criteria: ACMG Guidelines, 2015. Collection method: clinical testing. Allele origin: unknown.

Juno Genomics, Hangzhou Juno Genomics, Inc
Classification: Pathogenic for Congenital lipoid adrenal hyperplasia due to STAR deficency. Review status: criteria provided, single submitter. Criteria: ACMG Guidelines, 2015. Collection method: clinical testing. Allele origin: germline.
Comment: Absent from controls (or at extremely low frequency if recessive) in Genome Aggregation Database.;Null variant in a gene where loss of function (LOF) is a known mechanism of disease.;For recessive disorders, detected in trans with a pathogenic variant.;Patient's phenotype or family history is highly specific for a disease with a single genetic etiology.

Counsyl
Classification: Likely pathogenic for Congenital lipoid adrenal hyperplasia due to STAR deficency. Last evaluated: 2017-09-05. Review status: no assertion criteria provided. Collection method: clinical testing. Allele origin: unknown. Not counted in ClinVar's aggregate classification.

Literature cited by the submitters: PubMed 33227378 (cited by Natera, Inc.); PubMed 8948562 (cited by Labcorp Genetics (formerly Invitae), Labcorp); PubMed 15347444 (cited by Labcorp Genetics (formerly Invitae), Labcorp and Counsyl); PubMed 30400872 (cited by Labcorp Genetics (formerly Invitae), Labcorp); PubMed 25525159 (cited by Counsyl).

NM_000349.3(STAR):c.229C>T (p.Gln77Ter)

Gene: STAR (steroidogenic acute regulatory protein; minus strand). Cytogenetic location: 8p11.23.
Variant type: single nucleotide variant.
Coding change: c.229C>T on transcript NM_000349.3 (MANE Select); coding-DNA position 229, C replaced by T.
Protein change: p.Gln77Ter; replaces glutamine 77 with a stop codon.
Molecular consequence: nonsense.
Genome position (GRCh38, 1-based): chr8:38,148,277, G>A on the plus strand (C>T on the coding strand, the complement: STAR is on the minus strand). VCF-style: chr8-38148277-G-A. GRCh37 (hg19) VCF-style: chr8-38005795-G-A.
Other names: short protein forms Q77*.
Identifiers: ClinVar variation 553713 (VCV000553713.15), dbSNP rs781281145, ClinGen allele CA4715306.